The following is an entry in ClinVar:

NM_013275.6(ANKRD11):c.3034A>G (p.Lys1012Glu)

Gene: ANKRD11 (ankyrin repeat domain 11; minus strand). Cytogenetic location: 16q24.3.
Variant type: single nucleotide variant.
Coding change: c.3034A>G on transcript NM_013275.6 (MANE Select); coding-DNA position 3034, A replaced by G.
Protein change: p.Lys1012Glu; replaces lysine 1012 with glutamic acid.
Molecular consequence: missense variant.
Genome position (GRCh38, 1-based): chr16:89,283,508, T>C on the plus strand (A>G on the coding strand, the complement: ANKRD11 is on the minus strand). VCF-style: chr16-89283508-T-C. GRCh37 (hg19) VCF-style: chr16-89349916-T-C.
Other names: c.3034A>G, p.Lys1012Glu (NM_001256182.2, NM_001256183.2); short protein forms K1012E.
Identifiers: ClinVar variation 1799074 (VCV001799074.3), dbSNP rs1479496870, ClinGen allele CA397160750.

ClinVar aggregate classification (germline): Uncertain significance. Review status: criteria provided, multiple submitters, no conflicts (2 of 4 stars). 2 submissions from 2 submitters: Uncertain significance (2). Last evaluated 2025-07-06.

Conditions:
KBG syndrome (KBGS). Also called: ANKRD11-Related KBG Syndrome. Identifiers: Orphanet 2332, MedGen C0220687, MONDO:0007846, OMIM 148050.
Inborn genetic diseases. Identifiers: MedGen C0950123, MeSH D030342.

Allele frequency attached by ClinVar (database versions not stated): gnomAD exomes below 0.00001; gnomAD 0.00001.
gnomAD v4.1: 3 of 1,613,738 alleles (0.00019%); highest among the groups gnomAD compares: Admixed American, 0.0017%; no homozygotes.

Submissions (2):

Labcorp Genetics (formerly Invitae), Labcorp
Classification: Uncertain significance for KBG syndrome. Last evaluated: 2025-07-06. Review status: criteria provided, single submitter. Criteria: Invitae Variant Classification Sherloc (09022015). Collection method: clinical testing. Allele origin: germline.
Comment: This sequence change replaces lysine, which is basic and polar, with glutamic acid, which is acidic and polar, at codon 1012 of the ANKRD11 protein (p.Lys1012Glu). This variant is present in population databases (no rsID available, gnomAD 0.003%). This variant has not been reported in the literature in individuals affected with ANKRD11-related conditions. ClinVar contains an entry for this variant (Variation ID: 1799074). Invitae Evidence Modeling of protein sequence and biophysical properties (such as structural, functional, and spatial information, amino acid conservation, physicochemical variation, residue mobility, and thermodynamic stability) indicates that this missense variant is not expected to disrupt ANKRD11 protein function with a negative predictive value of 95%. In summary, the available evidence is currently insufficient to determine the role of this variant in disease. Therefore, it has been classified as a Variant of Uncertain Significance.

Ambry Genetics
Classification: Uncertain significance for Inborn genetic diseases. Last evaluated: 2019-12-03. Review status: criteria provided, single submitter. Criteria: Ambry Variant Classification Scheme 2023. Collection method: clinical testing. Allele origin: germline.
Comment: The p.K1012E variant (also known as c.3034A>G), located in coding exon 7 of the ANKRD11 gene, results from an A to G substitution at nucleotide position 3034. The lysine at codon 1012 is replaced by glutamic acid, an amino acid with similar properties. This amino acid position is well conserved in available vertebrate species; however, glutamic acid is the reference amino acid in other vertebrate species. In addition, this alteration is predicted to be tolerated by in silico analysis. Since supporting evidence is limited at this time, the clinical significance of this alteration remains unclear.